The following is an entry in ClinVar:

NM_005732.4(RAD50):c.3327T>G (p.Ile1109Met)

Gene: RAD50 (RAD50 double strand break repair protein; plus strand). Cytogenetic location: 5q31.1.
Variant type: single nucleotide variant.
Coding change: c.3327T>G on transcript NM_005732.4 (MANE Select); coding-DNA position 3327, T replaced by G.
Protein change: p.Ile1109Met; replaces isoleucine 1109 with methionine.
Molecular consequence: missense variant.
Genome position (GRCh38, 1-based): chr5:132,618,232, T>G. VCF-style: chr5-132618232-T-G. GRCh37 (hg19) VCF-style: chr5-131953924-T-G.
Other names: short protein forms I1109M.
Identifiers: ClinVar variation 141691 (VCV000141691.21), dbSNP rs587781940, ClinGen allele CA333221.

ClinVar aggregate classification (germline): Uncertain significance. Review status: criteria provided, multiple submitters, no conflicts (2 of 4 stars). 8 submissions from 8 submitters: Uncertain significance (7). 1 of the submissions does not count toward it. Last evaluated 2025-10-15.

Conditions:
RAD50-related disorder. Also called: RAD50-related condition.
Hereditary cancer-predisposing syndrome. Also called: Neoplastic Syndromes, Hereditary; Hereditary Cancer Syndrome; Tumor predisposition; Hereditary neoplastic syndrome. Identifiers: Orphanet 140162, MedGen C0027672, MeSH D009386, MONDO:0015356.
Nijmegen breakage syndrome-like disorder (NBSLD). Also called: MICROCEPHALY AND SPONTANEOUS CHROMOSOME INSTABILITY WITHOUT IMMUNODEFICIENCY; NBS-LIKE DISORDER; RAD50 DEFICIENCY. Identifiers: Orphanet 240760, MedGen C2751318, MONDO:0013118, OMIM 613078.

Allele frequency attached by ClinVar (database versions not stated): gnomAD 0.00007 and 0.00008; gnomAD exomes 0.00007 and 0.00015; TOPMed 0.00008; ExAC 0.00010.
gnomAD v4.1: 232 of 1,613,922 alleles (0.014%); highest among the groups gnomAD compares: Non-Finnish European, 0.019%; no homozygotes.

Submissions (8):

Praxis Für Humangenetik, Biosciencia MVZ Labor Saar
Classification: Uncertain significance for Nijmegen breakage syndrome-like disorder. Last evaluated: 2025-10-15. Review status: criteria provided, single submitter. Criteria: ACMG Guidelines, 2015. Collection method: clinical testing. Allele origin: germline.
Comment: PM2

Labcorp Genetics (formerly Invitae), Labcorp
Classification: Uncertain significance for Hereditary cancer-predisposing syndrome. Last evaluated: 2025-08-07. Review status: criteria provided, single submitter. Criteria: Invitae Variant Classification Sherloc (09022015). Collection method: clinical testing. Allele origin: germline.
Comment: This sequence change replaces isoleucine, which is neutral and non-polar, with methionine, which is neutral and non-polar, at codon 1109 of the RAD50 protein (p.Ile1109Met). This variant is present in population databases (rs587781940, gnomAD 0.01%). This variant has not been reported in the literature in individuals affected with RAD50-related conditions. ClinVar contains an entry for this variant (Variation ID: 141691). Invitae Evidence Modeling of protein sequence and biophysical properties (such as structural, functional, and spatial information, amino acid conservation, physicochemical variation, residue mobility, and thermodynamic stability) indicates that this missense variant is expected to disrupt RAD50 protein function with a positive predictive value of 80%. In summary, the available evidence is currently insufficient to determine the role of this variant in disease. Therefore, it has been classified as a Variant of Uncertain Significance.

Quest Diagnostics Nichols Institute San Juan Capistrano
Classification: Uncertain significance. Last evaluated: 2025-04-02. Review status: criteria provided, single submitter. Criteria: Quest Diagnostics criteria. Collection method: clinical testing. Allele origin: unknown.
Comment: The RAD50 c.3327T>G (p.Ile1109Met) variant was observed in individuals with breast cancer as well as reportedly unaffected individuals (PMID: 33471991 (2021), see also LOVD). The frequency of this variant in the general population (Genome Aggregation Database) is uninformative in the assessment of its pathogenicity. Analysis of this variant using bioinformatics tools for the prediction of the effect of amino acid changes on protein structure and function yielded conflicting predictions that this variant is benign or damaging. Based on the available information, we are unable to determine the clinical significance of this variant.

Women's Health and Genetics/Laboratory Corporation of America, LabCorp
Classification: Uncertain significance. Last evaluated: 2024-07-16. Review status: criteria provided, single submitter. Criteria: LabCorp Variant Classification Summary - May 2015. Collection method: clinical testing. Allele origin: germline.
Comment: Variant summary: RAD50 c.3327T>G (p.Ile1109Met) results in a conservative amino acid change in the encoded protein sequence. Three of five in-silico tools predict a damaging effect of the variant on protein function. The variant allele was found at a frequency of 0.00014 in 1613922 control chromosomes. The observed variant frequency is approximately 2.3 fold of the estimated maximal expected allele frequency for a pathogenic variant in RAD50 causing Hereditary Breast And Ovarian Cancer Syndrome phenotype (6.3e-05). To our knowledge, no occurrence of c.3327T>G in individuals affected with Hereditary Breast And Ovarian Cancer Syndrome and no experimental evidence demonstrating its impact on protein function have been reported. ClinVar contains an entry for this variant (Variation ID: 141691). Based on the evidence outlined above, the variant was classified as VUS-possibly benign.

Baylor Genetics
Classification: Uncertain significance for Nijmegen breakage syndrome-like disorder. Last evaluated: 2023-10-10. Review status: criteria provided, single submitter. Criteria: ACMG Guidelines, 2015. Collection method: clinical testing. Allele origin: unknown.

Ambry Genetics
Classification: Uncertain significance for Hereditary cancer-predisposing syndrome. Last evaluated: 2023-03-22. Review status: criteria provided, single submitter. Criteria: Ambry Variant Classification Scheme 2023. Collection method: clinical testing. Allele origin: germline.
Comment: The p.I1109M variant (also known as c.3327T>G), located in coding exon 21 of the RAD50 gene, results from a T to G substitution at nucleotide position 3327. The isoleucine at codon 1109 is replaced by methionine, an amino acid with highly similar properties. This amino acid position is highly conserved in available vertebrate species. In addition, the in silico prediction for this alteration is inconclusive. Since supporting evidence is limited at this time, the clinical significance of this alteration remains unclear.

Sema4
Classification: Uncertain significance for Nijmegen breakage syndrome-like disorder. Last evaluated: 2021-08-09. Review status: criteria provided, single submitter. Criteria: Sema4 Curation Guidelines. Collection method: curation. Allele origin: germline.
Comment: The RAD50 c.3327T>G (p.I1109M) variant has been reported in heterozygosity in multiple individuals with breast cancer, but was also reported in multiple healthy controls in the same study (PMID: 33471991). This variant was observed in 19/129016 chromosomes in the European (non-Finnish) population, with no homozygotes, according to the Genome Aggregation Database (PMID: 32461654) and has been reported in ClinVar (Variation ID: 141691). Functional studies have not been performed, and in silico predictions of the variant's effect on protein function are inconclusive. Based on the current evidence available, this variant is interpreted as a variant of uncertain significance.

PreventionGenetics, part of Exact Sciences
Classification: Uncertain significance for RAD50-related condition. Last evaluated: 2024-08-02. Review status: no assertion criteria provided. Collection method: clinical testing. Allele origin: germline. Not counted in ClinVar's aggregate classification.
Comment: The RAD50 c.3327T>G variant is predicted to result in the amino acid substitution p.Ile1109Met. This variant has been reported in individuals with breast cancer as well as unaffected controls (Supplementary Files 1-4, Breast Cancer Association Consortium et al. 2021. PubMed ID: 33471991). This variant is reported in 0.015% of alleles in individuals of European (Non-Finnish) descent in gnomAD. This variant is interpreted as uncertain significance in ClinVar. At this time, the clinical significance of this variant is uncertain due to the absence of conclusive functional and genetic evidence.

Literature cited by the submitters: PubMed 33471991 (cited by Quest Diagnostics Nichols Institute San Juan Capistrano and Sema4).